The following is an entry in ClinVar:

ClinVar aggregate classification (germline): Uncertain significance (1 of 4 stars; one submission).

Submission:

GeneDx
Classification: Uncertain significance. Last evaluated: 2026-04-17. Review status: criteria provided, single submitter. Criteria: GeneDx Variant Classification Process June 2021. Collection method: clinical testing. Allele origin: germline.
Comment: Not observed at significant frequency in large population cohorts (gnomAD); Nonsense variant predicted to result in protein truncation or nonsense mediated decay in a gene or region of a gene for which loss of function is not a well-established mechanism of disease; Has not been previously published as pathogenic or benign to our knowledge

NM_001394062.1(MACF1):c.16941C>G (p.Tyr5647Ter)

Gene: MACF1 (microtubule actin crosslinking factor 1; plus strand). Cytogenetic location: 1p34.3.
Variant type: single nucleotide variant.
Coding change: c.16941C>G on transcript NM_001394062.1 (MANE Select); coding-DNA position 16941, C replaced by G.
Protein change: p.Tyr5647Ter; replaces tyrosine 5647 with a stop codon.
Molecular consequence: nonsense.
Genome position (GRCh38, 1-based): chr1:39,429,879, C>G. VCF-style: chr1-39429879-C-G. GRCh37 (hg19) VCF-style: chr1-39895551-C-G.
Other names: c.5010C>G, p.Tyr1670Ter (NM_001397473.1); c.10755C>G, p.Tyr3585Ter (NM_012090.5); short protein forms Y1670*, Y3585*, Y5647*.
Identifiers: ClinVar variation 5037362 (VCV005037362.1).